The following is an entry in ClinVar:

ClinVar aggregate classification (germline): Likely benign. Review status: criteria provided, single submitter (1 of 4 stars). 2 submissions from 2 submitters: Likely benign (1). 1 of the submissions does not count toward it. Last evaluated 2022-02-12.

Conditions:
POLQ-related disorder. Also called: POLQ-related condition.

Allele frequency attached by ClinVar (database versions not stated): ExAC 0.00007; gnomAD 0.00011; TOPMed 0.00011; 1000 Genomes Project 30x 0.00016; 1000 Genomes Project 0.00020; ESP Exome Variant Server 0.00031.
gnomAD v4.1: 297 of 1,611,294 alleles (0.018%); highest among the groups gnomAD compares: Non-Finnish European, 0.024%; no homozygotes.

Submissions (2):

Ambry Genetics
Classification: Likely benign. Last evaluated: 2022-02-12. Review status: criteria provided, single submitter. Criteria: Ambry Variant Classification Scheme 2023. Collection method: clinical testing. Allele origin: germline.

PreventionGenetics, part of Exact Sciences
Classification: Likely benign for POLQ-related condition. Last evaluated: 2019-06-17. Review status: no assertion criteria provided. Collection method: clinical testing. Allele origin: germline. Not counted in ClinVar's aggregate classification.
Comment: This variant is classified as likely benign based on ACMG/AMP sequence variant interpretation guidelines (Richards et al. 2015 PMID: 25741868, with internal and published modifications).

NM_199420.4(POLQ):c.414G>A (p.Lys138=)

Gene: POLQ (DNA polymerase theta; minus strand). Cytogenetic location: 3q13.33.
Variant type: single nucleotide variant.
Coding change: c.414G>A on transcript NM_199420.4 (MANE Select); coding-DNA position 414, G replaced by A.
Protein change: p.Lys138=; no amino-acid change (lysine 138 retained).
Molecular consequence: synonymous variant.
Genome position (GRCh38, 1-based): chr3:121,541,409, C>T on the plus strand (G>A on the coding strand, the complement: POLQ is on the minus strand). VCF-style: chr3-121541409-C-T. GRCh37 (hg19) VCF-style: chr3-121260256-C-T.
Identifiers: ClinVar variation 1738246 (VCV001738246.4), dbSNP rs146393578, ClinGen allele CA2563820.